The following is an entry in ClinVar:

ClinVar aggregate classification (germline): Uncertain significance. Review status: criteria provided, multiple submitters, no conflicts (2 of 4 stars). 5 submissions from 5 submitters: Uncertain significance (5). Last evaluated 2026-06-08.

Conditions:
Cardiovascular phenotype. Identifiers: MedGen CN230736.
Hypertrophic cardiomyopathy 14. Identifiers: MedGen C2750467, MONDO:0013197, OMIM 613251.
Atrial septal defect 3 (ASD3). Identifiers: Orphanet 1478, MedGen C3279790, MONDO:0013567, OMIM 614089.
Dilated cardiomyopathy 1EE (CMD1EE). Identifiers: Orphanet 154, MedGen C2750466, MONDO:0013198, OMIM 613252.
Sick sinus syndrome 3, susceptibility to (SSS3). Identifiers: Orphanet 166282, MedGen C3279791, MONDO:0013568, OMIM 614090.
Hypertrophic cardiomyopathy 1 (CMH1). Also called: Familial hypertrophic cardiomyopathy 1; MYH7-Related Familial Hypertrophic Cardiomyopathy. Identifiers: MedGen C3495498, MONDO:0008647, OMIM 192600.
MYH6-related disorder. Also called: MYH6-Related Disorders; MYH6-related condition.

Allele frequency attached by ClinVar (database versions not stated): ExAC 0.00003; gnomAD exomes 0.00004 and 0.00007; TOPMed 0.00004; 1000 Genomes Project 0.00020; 1000 Genomes Project 30x 0.00031.

Submissions (5):

PreventionGenetics, part of Exact Sciences
Classification: Uncertain significance for MYH6-related condition. Last evaluated: 2026-06-08. Review status: criteria provided, single submitter. Criteria: ACMG Guidelines, 2015. Collection method: clinical testing. Allele origin: germline.
Comment: The MYH6 c.5501G>A variant is predicted to result in the amino acid substitution p.Arg1834His. To our knowledge, this variant has not been reported in the literature. This variant is reported in 0.046% of alleles in individuals of Latino descent in gnomAD. Although we suspect that this variant may be benign, at this time, the clinical significance of this variant is uncertain due to the absence of conclusive functional and genetic evidence.

Ambry Genetics
Classification: Uncertain significance for Cardiovascular phenotype. Last evaluated: 2025-07-21. Review status: criteria provided, single submitter. Criteria: Ambry Variant Classification Scheme 2023. Collection method: clinical testing. Allele origin: germline.
Comment: The p.R1834H variant (also known as c.5501G>A), located in coding exon 34 of the MYH6 gene, results from a G to A substitution at nucleotide position 5501. The arginine at codon 1834 is replaced by histidine, an amino acid with highly similar properties. This amino acid position is not well conserved in available vertebrate species, and histidine is the reference amino acid in other vertebrate species. In addition, this alteration is predicted to be tolerated by in silico analysis. Since supporting evidence is limited at this time, the clinical significance of this alteration remains unclear.

Labcorp Genetics (formerly Invitae), Labcorp
Classification: Uncertain significance for Hypertrophic cardiomyopathy 14. Last evaluated: 2024-11-02. Review status: criteria provided, single submitter. Criteria: Invitae Variant Classification Sherloc (09022015). Collection method: clinical testing. Allele origin: germline.
Comment: This sequence change replaces arginine, which is basic and polar, with histidine, which is basic and polar, at codon 1834 of the MYH6 protein (p.Arg1834His). This variant is present in population databases (rs202132499, gnomAD 0.05%), and has an allele count higher than expected for a pathogenic variant. This variant has not been reported in the literature in individuals affected with MYH6-related conditions. ClinVar contains an entry for this variant (Variation ID: 848866). Invitae Evidence Modeling of protein sequence and biophysical properties (such as structural, functional, and spatial information, amino acid conservation, physicochemical variation, residue mobility, and thermodynamic stability) indicates that this missense variant is expected to disrupt MYH6 protein function with a positive predictive value of 80%. In summary, the available evidence is currently insufficient to determine the role of this variant in disease. Therefore, it has been classified as a Variant of Uncertain Significance.

GeneDx
Classification: Uncertain significance. Last evaluated: 2024-09-27. Review status: criteria provided, single submitter. Criteria: GeneDx Variant Classification Process June 2021. Collection method: clinical testing. Allele origin: germline. Affected: yes.
Comment: Has not been previously published as pathogenic or benign to our knowledge; In silico analysis supports that this missense variant has a deleterious effect on protein structure/function

Fulgent Genetics
Classification: Uncertain significance for Hypertrophic cardiomyopathy 1; Hypertrophic cardiomyopathy 14; Dilated cardiomyopathy 1EE; Atrial septal defect 3; Sick sinus syndrome 3, susceptibility to. Last evaluated: 2021-08-25. Review status: criteria provided, single submitter. Criteria: ACMG Guidelines, 2015. Collection method: clinical testing. Allele origin: unknown.

NM_002471.4(MYH6):c.5501G>A (p.Arg1834His)

Gene: MYH6 (myosin heavy chain 6; minus strand). Cytogenetic location: 14q11.2.
Variant type: single nucleotide variant.
Coding change: c.5501G>A on transcript NM_002471.4 (MANE Select); coding-DNA position 5501, G replaced by A.
Protein change: p.Arg1834His; replaces arginine 1834 with histidine.
Molecular consequence: missense variant.
Genome position (GRCh38, 1-based): chr14:23,384,506, C>T on the plus strand (G>A on the coding strand, the complement: MYH6 is on the minus strand). VCF-style: chr14-23384506-C-T. GRCh37 (hg19) VCF-style: chr14-23853715-C-T.
Other names: short protein forms R1834H.
Identifiers: ClinVar variation 848866 (VCV000848866.13), dbSNP rs202132499, ClinGen allele CA7114418.
Genomic context (GRCh38, chr14:23,384,506, plus strand): 5'-TAGGTGAGCTCCTTGATGCGCCGCTCGCTCTTCCTCATGCCCTTCACCGACTCTGCGTTG[C>T]GCTTCTGCTCGGCCTCCAGCTCACCCTCCAGCTCCCGCACCCGCGCTTCCAGCTTCTGCA-3'
Protein context (NP_002462.2, residues 1824-1844): LEGELEAEQK[Arg1834His]NAESVKGMRK